The following is an entry in ClinVar:

ClinVar aggregate classification (germline): Uncertain significance (1 of 4 stars; one submission).

Submission:

GeneDx
Classification: Uncertain significance. Last evaluated: 2024-07-10. Review status: criteria provided, single submitter. Criteria: GeneDx Variant Classification Process June 2021. Collection method: clinical testing. Allele origin: germline. Affected: yes.
Comment: Not observed at significant frequency in large population cohorts (gnomAD); In silico analysis supports a deleterious effect on splicing; Has not been previously published as pathogenic or benign to our knowledge

NM_004700.4(KCNQ4):c.834+5G>C

Gene: KCNQ4 (potassium voltage-gated channel subfamily Q member 4; plus strand). Cytogenetic location: 1p34.2.
Variant type: single nucleotide variant.
Coding change: c.834+5G>C on transcript NM_004700.4 (MANE Select); 5 bases into the intron after coding-DNA position 834, G replaced by C.
Molecular consequence: intron variant.
Genome position (GRCh38, 1-based): chr1:40,819,477, G>C. VCF-style: chr1-40819477-G-C. GRCh37 (hg19) VCF-style: chr1-41285149-G-C.
Other names: c.834+5G>C (NM_172163.3).
Identifiers: ClinVar variation 3572700 (VCV003572700.1).